The following is an entry in ClinVar:

NM_000492.4:c.(?_-1)_(*1_?)del

Gene: CFTR (CF transmembrane conductance regulator; plus strand).
Variant type: Deletion.
Other names: CFTRdele1-24; c.(?_-1)_(*1_?)del (NM_000492.4).
Identifiers: ClinVar variation 1706033 (VCV001706033.1).

ClinVar aggregate classification (germline): Pathogenic (1 of 4 stars; one submission).

Conditions:
Cystic fibrosis (CF). Also called: MUCOVISCIDOSIS. Identifiers: Orphanet 586, MedGen C0010674, MONDO:0009061, OMIM 219700. Disease mechanism: loss of function.

Submission:

Institute of Human Genetics, University of Leipzig Medical Center
Classification: Pathogenic for Cystic fibrosis. Last evaluated: 2022-09-05. Review status: criteria provided, single submitter. Criteria: ACMG Guidelines, 2015. Collection method: curation. Allele origin: unknown. Affected: yes. Observed: 1 variant allele.
Comment: The variant was classified in the context of a project re-classifying variants in the German Cystic Fibrosis Registry (Muko.e.V.). Criteria applied: PVS1_Stand-alone